The following is an entry in ClinVar:

ClinVar aggregate classification (germline): Uncertain significance. Review status: criteria provided, single submitter (1 of 4 stars). 2 submissions from 2 submitters: Uncertain significance (1). 1 of the submissions does not count toward it. Last evaluated 2024-12-16.

Conditions:
DCDC2-related disorder. Also called: DCDC2-related condition.
Inborn genetic diseases. Identifiers: MedGen C0950123, MeSH D030342.

gnomAD v4.1: 40 of 1,614,066 alleles (0.0025%); highest among the groups gnomAD compares: Non-Finnish European, 0.0033%; no homozygotes.

Submissions (2):

Ambry Genetics
Classification: Uncertain significance for Inborn genetic diseases. Last evaluated: 2024-12-16. Review status: criteria provided, single submitter. Criteria: Ambry Variant Classification Scheme 2023. Collection method: clinical testing. Allele origin: germline.

PreventionGenetics, part of Exact Sciences
Classification: Uncertain significance for DCDC2-related condition. Last evaluated: 2024-03-27. Review status: no assertion criteria provided. Collection method: clinical testing. Allele origin: germline. Not counted in ClinVar's aggregate classification.
Comment: The DCDC2 c.461C>G variant is predicted to result in the amino acid substitution p.Ser154Cys. To our knowledge, this variant has not been reported in the literature. This variant is reported in 0.0039% of alleles in individuals of European (Non-Finnish) descent in gnomAD. At this time, the clinical significance of this variant is uncertain due to the absence of conclusive functional and genetic evidence.

NM_016356.5(DCDC2):c.461C>G (p.Ser154Cys)

Gene: DCDC2 (doublecortin domain containing 2; minus strand). Cytogenetic location: 6p22.3.
Variant type: single nucleotide variant.
Coding change: c.461C>G on transcript NM_016356.5 (MANE Select); coding-DNA position 461, C replaced by G.
Protein change: p.Ser154Cys; replaces serine 154 with cysteine.
Molecular consequence: missense variant.
Genome position (GRCh38, 1-based): chr6:24,301,811, G>C on the plus strand (C>G on the coding strand, the complement: DCDC2 is on the minus strand). VCF-style: chr6-24301811-G-C. GRCh37 (hg19) VCF-style: chr6-24302039-G-C.
Other names: c.461C>G, p.Ser154Cys (NM_001195610.2); c.461C>G (NM_016356.3); short protein forms S154C.
Identifiers: ClinVar variation 3346056 (VCV003346056.2).
Genomic context (GRCh38, chr6:24,301,811, plus strand): 5'-GTGACCATTTGTAGTACATGATCCCACTGATTCAAGGTTTTTCTGGGGATAAGGAGGCGA[G>C]AAGCTGGGTTTATGAGGTCTCCATTTGCAATCAAGCTGGAAAACAGGGGGCAAACCTTCT-3'
Protein context (NP_057440.2, residues 144-164): IANGDLINPA[Ser154Cys]RLLIPRKTLN